The following is an entry in ClinVar:

NM_144599.5(NIPA1):c.178+9G>A

Genes: NIPA1 (NIPA magnesium transporter 1; plus strand), LOC130056709 (ATAC-STARR-seq lymphoblastoid silent region 6259; plus strand). Cytogenetic location: 15q11.2.
Variant type: single nucleotide variant.
Coding change: c.178+9G>A on transcript NM_144599.5 (MANE Select); 9 bases into the intron after coding-DNA position 178, G replaced by A.
Molecular consequence: intron variant.
Genome position (GRCh38, 1-based): chr15:22,786,843, G>A. VCF-style: chr15-22786843-G-A. GRCh37 (hg19) VCF-style: chr15-23086225-C-T.
Other names: c.-48+595G>A (NM_001142275.1).
Identifiers: ClinVar variation 930279 (VCV000930279.3), dbSNP rs1259857257, ClinGen allele CA711209100.

ClinVar aggregate classification (germline): Uncertain significance (1 of 4 stars; one submission).

Conditions:
Hereditary spastic paraplegia 6 (SPG6). Also called: SPASTIC PARAPLEGIA 6, AUTOSOMAL DOMINANT. Identifiers: Orphanet 100988, MedGen C1838192, MONDO:0010878, OMIM 600363.

Allele frequency attached by ClinVar (database versions not stated): TOPMed 0.00001.

Submission:

Centre for Mendelian Genomics, University Medical Centre Ljubljana
Classification: Uncertain significance for Hereditary spastic paraplegia 6. Last evaluated: 2018-12-12. Review status: criteria provided, single submitter. Criteria: ACMG Guidelines, 2015. Collection method: clinical testing. Allele origin: unknown. Affected: yes.
Comment: This variant was classified as: Uncertain significance. The available evidence on this variant's pathogenicity is insufficient or conflicting. The following ACMG criteria were applied in classifying this variant: PM2. This variant was detected in homozygous state.